The following is an entry in ClinVar:

ClinVar aggregate classification (germline): Uncertain significance. Review status: criteria provided, multiple submitters, no conflicts (2 of 4 stars). 3 submissions from 3 submitters: Uncertain significance (3). Last evaluated 2026-08-07.

Conditions:
ALPK3-related disorder. Also called: ALPK3-related condition.
Cardiovascular phenotype. Identifiers: MedGen CN230736.

Allele frequency attached by ClinVar (database versions not stated): gnomAD 0.00001; gnomAD exomes 0.00002; TOPMed 0.00003; ExAC 0.00004.

Submissions (3):

PreventionGenetics, part of Exact Sciences
Classification: Uncertain significance for ALPK3-related condition. Last evaluated: 2026-08-07. Review status: criteria provided, single submitter. Criteria: ACMG Guidelines, 2015. Collection method: clinical testing. Allele origin: germline.
Comment: The ALPK3 c.1778C>T variant is predicted to result in the amino acid substitution p.Ser593Phe. To our knowledge, this variant has not been reported in the literature. This variant is reported in 0.0045% of alleles in individuals of European (Non-Finnish) descent in gnomAD. At this time, the clinical significance of this variant is uncertain due to the absence of conclusive functional and genetic evidence.

Labcorp Genetics (formerly Invitae), Labcorp
Classification: Uncertain significance. Last evaluated: 2025-12-03. Review status: criteria provided, single submitter. Criteria: Invitae Variant Classification Sherloc (09022015). Collection method: clinical testing. Allele origin: germline.
Comment: This sequence change replaces serine, which is neutral and polar, with phenylalanine, which is neutral and non-polar, at codon 593 of the ALPK3 protein (p.Ser593Phe). This variant is present in population databases (rs768234276, gnomAD 0.005%). This variant has not been reported in the literature in individuals affected with ALPK3-related conditions. ClinVar contains an entry for this variant (Variation ID: 1521005). Invitae Evidence Modeling of protein sequence and biophysical properties (such as structural, functional, and spatial information, amino acid conservation, physicochemical variation, residue mobility, and thermodynamic stability) indicates that this missense variant is expected to disrupt ALPK3 protein function with a positive predictive value of 80%. In summary, the available evidence is currently insufficient to determine the role of this variant in disease. Therefore, it has been classified as a Variant of Uncertain Significance.

Ambry Genetics
Classification: Uncertain significance for Cardiovascular phenotype. Last evaluated: 2025-03-23. Review status: criteria provided, single submitter. Criteria: Ambry Variant Classification Scheme 2023. Collection method: clinical testing. Allele origin: germline.
Comment: The p.S593F variant (also known as c.1778C>T), located in coding exon 5 of the ALPK3 gene, results from a C to T substitution at nucleotide position 1778. The serine at codon 593 is replaced by phenylalanine, an amino acid with highly dissimilar properties. This amino acid position is conserved. In addition, this alteration is predicted to be tolerated by in silico analysis. Based on the available evidence, the clinical significance of this variant remains unclear.

NM_020778.5(ALPK3):c.1172C>T (p.Ser391Phe)

Gene: ALPK3 (alpha kinase 3; plus strand). Cytogenetic location: 15q25.3.
Variant type: single nucleotide variant.
Coding change: c.1172C>T on transcript NM_020778.5 (MANE Select); coding-DNA position 1172, C replaced by T.
Protein change: p.Ser391Phe; replaces serine 391 with phenylalanine.
Molecular consequence: missense variant.
Genome position (GRCh38, 1-based): chr15:84,840,451, C>T. VCF-style: chr15-84840451-C-T. GRCh37 (hg19) VCF-style: chr15-85383682-C-T.
Other names: c.1778C>T (NM_020778.4); short protein forms S391F.
Identifiers: ClinVar variation 1521005 (VCV001521005.10), dbSNP rs768234276, ClinGen allele CA7709135.